The following is an entry in ClinVar:

NM_000334.4(SCN4A):c.2111C>T (p.Thr704Met)

Genes: GH-LCR (growth hormone locus control region; plus strand), SCN4A (sodium voltage-gated channel alpha subunit 4; minus strand). Cytogenetic location: 17q23.3.
Variant type: single nucleotide variant.
Coding change: c.2111C>T on transcript NM_000334.4 (MANE Select); coding-DNA position 2111, C replaced by T.
Protein change: p.Thr704Met; replaces threonine 704 with methionine.
Molecular consequence: missense variant.
Genome position (GRCh38, 1-based): chr17:63,957,427, G>A on the plus strand (C>T on the coding strand, the complement: SCN4A is on the minus strand). VCF-style: chr17-63957427-G-A. GRCh37 (hg19) VCF-style: chr17-62034787-G-A.
Other names: short protein forms T704M.
Identifiers: ClinVar variation 5896 (VCV000005896.53), dbSNP rs80338957, ClinGen allele CA117833.

ClinVar aggregate classification (germline): Pathogenic/Likely pathogenic. Review status: criteria provided, multiple submitters, no conflicts (2 of 4 stars). 23 submissions from 22 submitters: Pathogenic (19); Likely pathogenic (1). 3 of the submissions do not count toward it. Last evaluated 2026-07-07.

Conditions:
Sotos syndrome (SOTOS). Also called: CEREBRAL GIGANTISM; Distinctive facial appearance, overgrowth in childhood, and learning disabilities or delayed development; CHROMOSOME 5q35 DELETION SYNDROME; SOTOS SYNDROME 1; Sotos' syndrome. Identifiers: Orphanet 821, MedGen C0175695, MONDO:0019349, OMIM 117550.
Skeletal muscle channelopathy.
Congenital myopathy 22A, classic (CMYO22A). Identifiers: MedGen C5830453, MONDO:0957247, OMIM 620351.
Congenital myopathy 22B, severe fetal (CMYO22B). Identifiers: MedGen C5830501, MONDO:0957265, OMIM 620369.
Congenital myasthenic syndrome 16. Identifiers: Orphanet 590, MedGen C3280112, MONDO:0013620, OMIM 614198.
Hyperkalemic periodic paralysis. Also called: Familial hyperkalemic periodic paralysis; Gamstorp disease. Identifiers: Orphanet 682, MedGen C0238357, MONDO:0008224, OMIM 170500, HP:0007215.
Hypokalemic periodic paralysis, type 2 (HOKPP2). Identifiers: Orphanet 681, MedGen C2750061, MONDO:0013234, OMIM 613345.
Potassium-aggravated myotonia. Also called: Myotonia congenita, atypical, acetazolamide-responsive; MYOTONIA CONGENITA, ACETAZOLAMIDE-RESPONSIVE; MYOTONIA CONGENITA, ATYPICAL; SODIUM CHANNEL MUSCLE DISEASE. Identifiers: Orphanet 612, Orphanet 99734, Orphanet 99735, Orphanet 99736, MedGen C2931826, MONDO:0018959, OMIM 608390.
Paramyotonia congenita of Von Eulenburg. Also called: Eulenburg disease; Myotonia congenita intermittens; Von Eulenburg paramyotonia congenita; Paramyotonia Congenita; PARALYSIS PERIODICA PARAMYOTONICA. Identifiers: Orphanet 684, MedGen C0221055, MONDO:0008195, OMIM 168300. Disease mechanism: loss of function.
SCN4A-related disorder. Also called: SCN4A-related disorders.
Hypokalemic periodic paralysis, type 1. Also called: Hypokalemic Periodic Paralysis Type 1 (AD); HypoPP. Identifiers: Orphanet 681, MedGen C3714580, MONDO:0042979, OMIM 170400.
Paramyotonia congenita/hyperkalemic periodic paralysis. Identifiers: MedGen C1858891.

Allele frequency attached by ClinVar (database versions not stated): gnomAD exomes below 0.00001.

Submissions 1 to 10 of 23:

PreventionGenetics, part of Exact Sciences
Classification: Pathogenic for SCN4A-related condition. Last evaluated: 2026-07-07. Review status: criteria provided, single submitter. Criteria: ACMG Guidelines, 2015. Collection method: clinical testing. Allele origin: germline.
Comment: The SCN4A c.2111C>T variant is predicted to result in the amino acid substitution p.Thr704Met. This variant has been reported in many individuals and families with hyperkalemic periodic paralysis and is one of the most common causative variants in SCN4A for this disorder (Ptácek et al. 1991. PubMed ID: 1659948; Jurkat-Rott et al. 2007. PubMed ID: 17395131; Huang et al. 2019. PubMed ID: 30931713; Vereb et al. 2020. PubMed ID: 33263785 ). This variant was also reported in a large Turkish family with hypokalemic periodic paralysis (Gun Bilgic et al. 2020. PubMed ID: 32336642). The c.2111C>T variant has been reported to occur de novo in at least one individual with hyperkalemic periodic paralysis (Han et al. 2011. PubMed ID: 22253644). Functional studies indicate this variant significantly impairs slow inactivation (Bendahhou et al. 1999. PubMed ID: 10366610). This variant has not been reported in a large population database, indicating this variant is rare. This variant is interpreted as pathogenic.

Genetics Laboratory, Great Ormond Street Hospital NHS Foundation Trust, North Thames Genomic Laboratory Hub
Classification: Pathogenic for Skeletal muscle channelopathy. Last evaluated: 2026-07-04. Review status: criteria provided, single submitter. Criteria: ACGS Best Practice Guidelines for Variant Classification in Rare Disease 2024 v1.2. Collection method: clinical testing. Allele origin: germline. Affected: yes.
Comment: PS4_moderate, PP3_supporting, PS3_moderate, PP1_strong, PS2_strong

Women's Health and Genetics/Laboratory Corporation of America, LabCorp
Classification: Pathogenic for Hyperkalemic periodic paralysis. Last evaluated: 2026-04-21. Review status: criteria provided, single submitter. Criteria: LabCorp Variant Classification Summary - May 2015. Collection method: clinical testing. Allele origin: germline.
Comment: Variant summary: SCN4A c.2111C>T (p.Thr704Met) results in a non-conservative amino acid change in the encoded protein sequence. Algorithms developed to predict the effect of missense changes on protein structure and function all suggest that this variant is likely to be disruptive. The variant was absent in 249548 control chromosomes (gnomAD). c.2111C>T has been observed in multiple individuals affected with Periodic Hyperkalemic Paralysis (e.g. Ptacek_1991, Lee_2015), including at least one de novo occurrence. These data indicate that the variant is very likely to be associated with disease. The following publications have been ascertained in the context of this evaluation (PMID: 1659948, 26256659). ClinVar contains an entry for this variant (Variation ID: 5896). Based on the evidence outlined above, the variant was classified as pathogenic.

Labcorp Genetics (formerly Invitae), Labcorp
Classification: Pathogenic for Hyperkalemic periodic paralysis. Last evaluated: 2026-01-05. Review status: criteria provided, single submitter. Criteria: Invitae Variant Classification Sherloc (09022015). Collection method: clinical testing. Allele origin: germline.
Comment: This sequence change replaces threonine, which is neutral and polar, with methionine, which is neutral and non-polar, at codon 704 of the SCN4A protein (p.Thr704Met). This variant is not present in population databases (gnomAD no frequency). This missense change has been observed in individual(s) with hyperkalemic periodic paralysis (HYPP), and is the most common cause of HYPP accounting for over 60% of pathogenic alleles (PMID: 15642860, 17395131, 19077043, 22253644, 26256659). In at least one individual the variant was observed to be de novo. It has also been observed to segregate with disease in related individuals. ClinVar contains an entry for this variant (Variation ID: 5896). Invitae Evidence Modeling of protein sequence and biophysical properties (such as structural, functional, and spatial information, amino acid conservation, physicochemical variation, residue mobility, and thermodynamic stability) indicates that this missense variant is expected to disrupt SCN4A protein function with a positive predictive value of 80%. Experimental studies have shown that this missense change affects SCN4A function (PMID: 7809121, 10366610). For these reasons, this variant has been classified as Pathogenic.

3billion
Classification: Pathogenic for Hyperkalemic periodic paralysis. Last evaluated: 2025-08-25. Review status: criteria provided, single submitter. Criteria: ACMG Guidelines, 2015. Collection method: clinical testing. Allele origin: germline. Affected: yes.
Comment: The variant is observed at an extremely low frequency in the gnomAD v4.1.0 dataset (total allele frequency: <0.001%). Predicted Consequence/Location: Missense variant In silico tool predictions suggest damaging effect of the variant on gene or gene product [REVEL: 0.93 (>=0.6, sensitivity 0.68 and specificity 0.92); 3Cnet: 0.97 (> 0.75, sensitivity 0.96 and precision 0.92)]. The same nucleotide change resulting in the same amino acid change has been previously reported as pathogenic/likely pathogenic with strong evidence (ClinVar ID: VCV000005896 /PMID: 1659948 /3billion dataset). The variant has been reported to co-segregate with the disease in at least 7 similarly affected relatives/individuals in at least two unrelated families (PMID: 30172468, 30931713). A different missense change at the same codon (p.Thr704Ala) has been reported to be associated with SCN4A-related disorder (PMID: 36796140). Therefore, this variant is classified as Pathogenic according to the recommendation of ACMG/AMP guideline.

Dasa
Classification: Pathogenic. Last evaluated: 2025-06-18. Review status: criteria provided, single submitter. Criteria: DASA Assertion Criteria. Collection method: clinical testing. Allele origin: germline.
Comment: NM_000334.4(SCN4A):c.2111C>T (p.Thr704Met) is a missense variant that results in the substitution of threonine with methionine. The affected residue or protein region has prior evidence supporting clinical relevance. De novo occurrence has been reported in an individual with related phenotype. Segregation evidence has been reported in affected families. Functional evidence supports a deleterious effect on the gene or gene product (PMID: 15642860; PMID: 17395131; PMID: 19077043; PMID: 22253644; PMID: 26256659). This variant has been recurrently observed in individuals with related phenotype (PMID: 15642860; PMID: 17395131; PMID: 19077043; PMID: 22253644; PMID: 26256659). Multiple computational predictions support a deleterious effect on the gene or gene product. The variant is present at low frequency in population datasets. Based on the available data, this variant is classified as pathogenic.

Athena Diagnostics
Classification: Pathogenic. Last evaluated: 2025-03-12. Review status: criteria provided, single submitter. Criteria: Athena Diagnostics Criteria. Collection method: clinical testing. Allele origin: unknown.
Comment: This variant has not been reported in large, multi-ethnic general populations. This variant has been identified in multiple individuals and families, and is one of the most common pathogenic variants associated with hyperkalemic periodic paralysis. Assessment of experimental evidence suggests this variant results in abnormal protein function. (PMID: 10366610, 7809121, 8804606). The variant is located in a region that is considered important for protein function and/or structure.

Blueprint Genetics
Classification: Pathogenic for SCN4A-related disorders. Last evaluated: 2024-08-06. Review status: criteria provided, single submitter. Criteria: ACMG Guidelines, 2015. Collection method: clinical testing. Allele origin: germline. Affected: yes. Observed: 5 variant alleles.

Revvity Omics, Revvity
Classification: Pathogenic. Last evaluated: 2024-04-25. Review status: criteria provided, single submitter. Criteria: ACMG Guidelines, 2015. Collection method: clinical testing. Allele origin: germline.

Institute of Human Genetics Munich, TUM University Hospital
Classification: Pathogenic for Hyperkalemic periodic paralysis. Last evaluated: 2024-01-24. Review status: criteria provided, single submitter. Criteria: Classification criteria August 2017. Collection method: clinical testing. Allele origin: germline. Inheritance: Autosomal dominant inheritance. Affected: yes. Observed: 1 variant allele.